The following is an entry in ClinVar:

ClinVar aggregate classification (germline): Uncertain significance (1 of 4 stars; one submission).

gnomAD v4.1: 5 of 1,590,136 alleles (0.00031%); highest among the groups gnomAD compares: Non-Finnish European, 0.00043%; no homozygotes.

Submission:

Labcorp Genetics (formerly Invitae), Labcorp
Classification: Uncertain significance. Last evaluated: 2025-05-30. Review status: criteria provided, single submitter. Criteria: Invitae Variant Classification Sherloc (09022015). Collection method: clinical testing. Allele origin: germline.
Comment: This sequence change replaces isoleucine, which is neutral and non-polar, with serine, which is neutral and polar, at codon 132 of the DDX58 protein (p.Ile132Ser). This variant is present in population databases (no rsID available, gnomAD 0.007%). This variant has not been reported in the literature in individuals affected with DDX58-related conditions. ClinVar contains an entry for this variant (Variation ID: 3690221). An algorithm developed to predict the effect of missense changes on protein structure and function (PolyPhen-2) suggests that this variant is likely to be tolerated. In summary, the available evidence is currently insufficient to determine the role of this variant in disease. Therefore, it has been classified as a Variant of Uncertain Significance.

NM_014314.4(RIGI):c.395T>G (p.Ile132Ser)

Gene: RIGI (RNA sensor RIG-I; minus strand). Cytogenetic location: 9p21.1.
Variant type: single nucleotide variant.
Coding change: c.395T>G on transcript NM_014314.4 (MANE Select); coding-DNA position 395, T replaced by G.
Protein change: p.Ile132Ser; replaces isoleucine 132 with serine.
Molecular consequence: missense variant. On other transcripts: 5 prime UTR variant (3).
Genome position (GRCh38, 1-based): chr9:32,493,789, A>C on the plus strand (T>G on the coding strand, the complement: RIGI is on the minus strand). VCF-style: chr9-32493789-A-C. GRCh37 (hg19) VCF-style: chr9-32493787-A-C.
Other names: c.395T>G, p.Ile132Ser (NM_001385907.1, NM_001385909.1, NM_001385913.1); c.-60T>G (NM_001385910.1, NM_001385914.1); c.-67T>G (NM_001385912.1); short protein forms I132S.
Identifiers: ClinVar variation 3690221 (VCV003690221.2).